The following is an entry in ClinVar:

ClinVar aggregate classification (germline): Uncertain significance (1 of 4 stars; one submission).

Submission:

Greenwood Genetic Center Diagnostic Laboratories, Greenwood Genetic Center
Classification: Uncertain significance. Last evaluated: 2025-01-23. Review status: criteria provided, single submitter. Criteria: ACMG Guidelines, 2015. Collection method: clinical testing. Allele origin: germline.
Comment: PM2

NM_003482.4(KMT2D):c.7558C>A (p.Arg2520=)

Gene: KMT2D (lysine methyltransferase 2D; minus strand). Cytogenetic location: 12q13.12.
Variant type: single nucleotide variant.
Coding change: c.7558C>A on transcript NM_003482.4 (MANE Select); coding-DNA position 7558, C replaced by A.
Protein change: p.Arg2520=; no amino-acid change (arginine 2520 retained).
Molecular consequence: synonymous variant.
Genome position (GRCh38, 1-based): chr12:49,040,212, G>T on the plus strand (C>A on the coding strand, the complement: KMT2D is on the minus strand). VCF-style: chr12-49040212-G-T. GRCh37 (hg19) VCF-style: chr12-49433995-G-T.
Identifiers: ClinVar variation 4851776 (VCV004851776.1).
Genomic context (GRCh38, chr12:49,040,212, plus strand): 5'-GAGGGAAAGTGAAACGCATGGGAGAGGGGGTGCCCACAAATGCACCCGTCCCAGGGGACC[G>T]GACAAAATTGGGGGGCTGCCCACTTGGGACCTTGGCATGGAGCTCACCTGCTGGCCCCGC-3'
Protein context (NP_003473.3, residues 2510-2530): VPSGQPPNFV[Arg2520=]SPGTGAFVGT